The following is an entry in ClinVar:

ClinVar aggregate classification (germline): Pathogenic (1 of 4 stars; one submission).

Submission:

Labcorp Genetics (formerly Invitae), Labcorp
Classification: Pathogenic. Last evaluated: 2021-07-12. Review status: criteria provided, single submitter. Criteria: Invitae Variant Classification Sherloc (09022015). Collection method: clinical testing. Allele origin: germline.
Comment: This variant is a gross deletion of the genomic region encompassing exon(s) 82 of the ADGRV1 gene. This deletion is out-of-frame, and is expected to create a premature translational stop signal and result in an absent or disrupted protein product. Loss-of-function variants in ADGRV1 are known to be pathogenic (PMID: 19357117, 22135276, 22147658, 26226137, 26667666, 30029497, 32467589). For these reasons, this variant has been classified as Pathogenic. This variant has not been reported in the literature in individuals affected with ADGRV1-related conditions.

Literature cited by the submitters: PubMed 19357117; PubMed 22135276; PubMed 22147658; PubMed 26226137; PubMed 26667666; PubMed 30029497; PubMed 32467589.

NC_000005.9:g.(?_90151538)_(90151738_?)del

Gene: ADGRV1 (adhesion G protein-coupled receptor V1; plus strand). Cytogenetic location: 5q14.3.
Variant type: Deletion.
Identifiers: ClinVar variation 1459084 (VCV001459084.4).